The following is an entry in ClinVar:

ClinVar aggregate classification (germline): Uncertain significance (1 of 4 stars; one submission).

Conditions:
Cardiovascular phenotype. Identifiers: MedGen CN230736.

Allele frequency attached by ClinVar (database versions not stated): gnomAD exomes below 0.00001; TOPMed 0.00001.
gnomAD v4.1: 1 of 1,614,156 alleles (0.000062%); highest among the groups gnomAD compares: African/African-American, 0.0013%; no homozygotes.

Submission:

Ambry Genetics
Classification: Uncertain significance for Cardiovascular phenotype. Last evaluated: 2021-08-07. Review status: criteria provided, single submitter. Criteria: Ambry Variant Classification Scheme 2023. Collection method: clinical testing. Allele origin: germline.
Comment: The p.W1369C variant (also known as c.4107G>C), located in coding exon 25 of the APOB gene, results from a G to C substitution at nucleotide position 4107. The tryptophan at codon 1369 is replaced by cysteine, an amino acid with highly dissimilar properties. This amino acid position is conserved. In addition, the in silico prediction for this alteration is inconclusive. Since supporting evidence is limited at this time, the clinical significance of this alteration remains unclear.

NM_000384.3(APOB):c.4107G>C (p.Trp1369Cys)

Gene: APOB (apolipoprotein B; minus strand). Cytogenetic location: 2p24.1.
Variant type: single nucleotide variant.
Coding change: c.4107G>C on transcript NM_000384.3 (MANE Select); coding-DNA position 4107, G replaced by C.
Protein change: p.Trp1369Cys; replaces tryptophan 1369 with cysteine.
Molecular consequence: missense variant.
Genome position (GRCh38, 1-based): chr2:21,013,269, C>G on the plus strand (G>C on the coding strand, the complement: APOB is on the minus strand). VCF-style: chr2-21013269-C-G. GRCh37 (hg19) VCF-style: chr2-21236141-C-G.
Other names: short protein forms W1369C.
Identifiers: ClinVar variation 1737891 (VCV001737891.2), dbSNP rs1663380295, ClinGen allele CA346007604.